The following is an entry in ClinVar:

NM_000435.3(NOTCH3):c.1641C>T (p.Asp547=)

Gene: NOTCH3 (notch receptor 3; minus strand). Cytogenetic location: 19p13.12.
Variant type: single nucleotide variant.
Coding change: c.1641C>T on transcript NM_000435.3 (MANE Select); coding-DNA position 1641, C replaced by T.
Protein change: p.Asp547=; no amino-acid change (aspartic acid 547 retained).
Molecular consequence: synonymous variant.
Genome position (GRCh38, 1-based): chr19:15,187,304, G>A on the plus strand (C>T on the coding strand, the complement: NOTCH3 is on the minus strand). VCF-style: chr19-15187304-G-A. GRCh37 (hg19) VCF-style: chr19-15298115-G-A.
Other names: p.Asp547=.
Identifiers: ClinVar variation 1972948 (VCV001972948.6), dbSNP rs202039658, ClinGen allele CA9263590.

ClinVar aggregate classification (germline): Benign/Likely benign. Review status: criteria provided, multiple submitters, no conflicts (2 of 4 stars). 2 submissions from 2 submitters: Benign (1); Likely benign (1). Last evaluated 2025-10-21.

Allele frequency attached by ClinVar (database versions not stated): TOPMed 0.00005; 1000 Genomes Project 30x 0.00016; 1000 Genomes Project 0.00020; gnomAD 0.00009; ExAC 0.00013.
gnomAD v4.1: 108 of 1,613,888 alleles (0.0067%); highest among the groups gnomAD compares: Non-Finnish European, 0.0037%; 2 homozygotes.

Submissions (2):

Labcorp Genetics (formerly Invitae), Labcorp
Classification: Benign. Last evaluated: 2025-10-21. Review status: criteria provided, single submitter. Criteria: Invitae Variant Classification Sherloc (09022015). Collection method: clinical testing. Allele origin: germline.

Mayo Clinic Laboratories, Mayo Clinic
Classification: Likely benign. Last evaluated: 2025-02-18. Review status: criteria provided, single submitter. Criteria: ACMG Guidelines, 2015. Collection method: clinical testing. Allele origin: germline. Observed: 1 variant allele.
Comment: BS1, BP4, BP7